The following is an entry in ClinVar:

NM_002519.3(NPAT):c.1595A>C (p.Gln532Pro)

Gene: NPAT (nuclear protein, coactivator of histone transcription; minus strand). Cytogenetic location: 11q22.3.
Variant type: single nucleotide variant.
Coding change: c.1595A>C on transcript NM_002519.3 (MANE Select); coding-DNA position 1595, A replaced by C.
Protein change: p.Gln532Pro; replaces glutamine 532 with proline.
Molecular consequence: missense variant.
Genome position (GRCh38, 1-based): chr11:108,173,389, T>G on the plus strand (A>C on the coding strand, the complement: NPAT is on the minus strand). VCF-style: chr11-108173389-T-G. GRCh37 (hg19) VCF-style: chr11-108044116-T-G.
Other names: c.1595A>C, p.Gln532Pro (NM_001321307.1); short protein forms Q532P.
Identifiers: ClinVar variation 2624978 (VCV002624978.2), dbSNP rs748697428, ClinGen allele CA382514795.
Genomic context (GRCh38, chr11:108,173,389, plus strand): 5'-TCACAAAATTGACTTTTTTTAGATGGCTTTCCAGTTAATGAAGTATCTTGGGATAAAAGT[T>G]GAGAACTCTTCCCAGAGAGAATTAAGTTTTCATTGTTAGCTTCACAACCAAGTGAAACAA-3'
Protein context (NP_002510.2, residues 522-542): ENLILSGKSS[Gln532Pro]LLSQDTSLTG

ClinVar aggregate classification (germline): Uncertain significance (1 of 4 stars; one submission).

Allele frequency attached by ClinVar (database versions not stated): TOPMed below 0.00001.

Submission:

Ambry Genetics
Classification: Uncertain significance. Last evaluated: 2023-06-21. Review status: criteria provided, single submitter. Criteria: Ambry Variant Classification Scheme 2023. Collection method: clinical testing. Allele origin: germline.
Comment: The p.Q532P variant (also known as c.1595A>C), located in coding exon 13 of the NPAT gene, results from an A to C substitution at nucleotide position 1595. The glutamine at codon 532 is replaced by proline, an amino acid with similar properties. This amino acid position is conserved. In addition, this alteration is predicted to be tolerated by in silico analysis. Since supporting evidence is limited at this time, the clinical significance of this alteration remains unclear.